The following is an entry in ClinVar:

NM_002691.4(POLD1):c.61G>C (p.Gly21Arg)

Gene: POLD1 (DNA polymerase delta 1, catalytic subunit; plus strand). Cytogenetic location: 19q13.33.
Variant type: single nucleotide variant.
Coding change: c.61G>C on transcript NM_002691.4 (MANE Select); coding-DNA position 61, G replaced by C.
Protein change: p.Gly21Arg; replaces glycine 21 with arginine.
Molecular consequence: missense variant. On other transcripts: non-coding transcript variant (1).
Genome position (GRCh38, 1-based): chr19:50,398,912, G>C. VCF-style: chr19-50398912-G-C. GRCh37 (hg19) VCF-style: chr19-50902169-G-C.
Other names: c.61G>C, p.Gly21Arg (NM_001256849.1, NM_001308632.1); short protein forms G21R.
Identifiers: ClinVar variation 1514276 (VCV001514276.8), dbSNP rs9282831, ClinGen allele CA406970060.

ClinVar aggregate classification (germline): Uncertain significance (1 of 4 stars; one submission).

Conditions:
POLD1-related polyposis and colorectal cancer syndrome (CRCS10). Also called: Colorectal cancer 10; COLORECTAL CANCER, SUSCEPTIBILITY TO, ON CHROMOSOME 19q; Colorectal cancer, susceptibility to, 10. Identifiers: Orphanet 220460, MedGen C2675481, MONDO:0012953, OMIM 612591.

Submission:

Labcorp Genetics (formerly Invitae), Labcorp
Classification: Uncertain significance for POLD1-related polyposis and colorectal cancer syndrome. Last evaluated: 2021-01-03. Review status: criteria provided, single submitter. Criteria: Invitae Variant Classification Sherloc (09022015). Collection method: clinical testing. Allele origin: germline.
Comment: In summary, the available evidence is currently insufficient to determine the role of this variant in disease. Therefore, it has been classified as a Variant of Uncertain Significance. Algorithms developed to predict the effect of missense changes on protein structure and function are either unavailable or do not agree on the potential impact of this missense change (SIFT: "Tolerated"; PolyPhen-2: "Not Available"; Align-GVGD: "Class C0"). This variant has not been reported in the literature in individuals with POLD1-related conditions. This variant is not present in population databases (ExAC no frequency). This sequence change replaces glycine with arginine at codon 21 of the POLD1 protein (p.Gly21Arg). The glycine residue is weakly conserved and there is a moderate physicochemical difference between glycine and arginine.